The following is an entry in ClinVar:

ClinVar aggregate classification (germline): Uncertain significance. Review status: criteria provided, multiple submitters, no conflicts (2 of 4 stars). 2 submissions from 2 submitters: Uncertain significance (2). Last evaluated 2024-07-03.

Conditions:
Hereditary cancer-predisposing syndrome. Also called: Hereditary Cancer Syndrome; Neoplastic Syndromes, Hereditary; Tumor predisposition; Hereditary neoplastic syndrome. Identifiers: Orphanet 140162, MedGen C0027672, MeSH D009386, MONDO:0015356.
Mitochondrial complex II deficiency, nuclear type 1. Also called: SUCCINATE CoQ REDUCTASE DEFICIENCY. Identifiers: Orphanet 3208, MedGen C5700310, MONDO:0100294, OMIM 252011.
Pheochromocytoma/paraganglioma syndrome 5. Also called: Paragangliomas 5; SDHA-Related Hereditary Paraganglioma-Pheochromocytoma Syndrome. Identifiers: Orphanet 29072, MedGen C3279992, MONDO:0013602, OMIM 614165.

Allele frequency attached by ClinVar (database versions not stated): gnomAD 0.00001.
gnomAD v4.1: 1 of 1,613,914 alleles (0.000062%); highest among the groups gnomAD compares: Admixed American, 0.0017%; no homozygotes.

Submissions (2):

Labcorp Genetics (formerly Invitae), Labcorp
Classification: Uncertain significance for Pheochromocytoma/paraganglioma syndrome 5; Mitochondrial complex II deficiency, nuclear type 1. Last evaluated: 2024-07-03. Review status: criteria provided, single submitter. Criteria: Invitae Variant Classification Sherloc (09022015). Collection method: clinical testing. Allele origin: germline.
Comment: This sequence change replaces alanine, which is neutral and non-polar, with threonine, which is neutral and polar, at codon 278 of the SDHA protein (p.Ala278Thr). This variant is present in population databases (no rsID available, gnomAD 0.1%). This variant has not been reported in the literature in individuals affected with SDHA-related conditions. ClinVar contains an entry for this variant (Variation ID: 962568). Advanced modeling of protein sequence and biophysical properties (such as structural, functional, and spatial information, amino acid conservation, physicochemical variation, residue mobility, and thermodynamic stability) has been performed at Invitae for this missense variant, however the output from this modeling did not meet the statistical confidence thresholds required to predict the impact of this variant on SDHA protein function. In summary, the available evidence is currently insufficient to determine the role of this variant in disease. Therefore, it has been classified as a Variant of Uncertain Significance.

Ambry Genetics
Classification: Uncertain significance for Hereditary cancer-predisposing syndrome. Last evaluated: 2024-01-29. Review status: criteria provided, single submitter. Criteria: Ambry Variant Classification Scheme 2023. Collection method: clinical testing. Allele origin: germline.
Comment: The p.A278T variant (also known as c.832G>A), located in coding exon 7 of the SDHA gene, results from a G to A substitution at nucleotide position 832. The alanine at codon 278 is replaced by threonine, an amino acid with similar properties. This amino acid position is well conserved in available vertebrate species. In addition, the in silico prediction for this alteration is inconclusive. Based on the available evidence, the clinical significance of this alteration remains unclear.

NM_004168.4(SDHA):c.832G>A (p.Ala278Thr)

Gene: SDHA (succinate dehydrogenase complex flavoprotein subunit A; plus strand). Cytogenetic location: 5p15.33.
Variant type: single nucleotide variant.
Coding change: c.832G>A on transcript NM_004168.4 (MANE Select); coding-DNA position 832, G replaced by A.
Protein change: p.Ala278Thr; replaces alanine 278 with threonine.
Molecular consequence: missense variant.
Genome position (GRCh38, 1-based): chr5:230,937, G>A. VCF-style: chr5-230937-G-A. GRCh37 (hg19) VCF-style: chr5-231052-G-A.
Other names: c.688G>A, p.Ala230Thr (NM_001294332.2); c.832G>A, p.Ala278Thr (NM_001330758.2); short protein forms A230T, A278T.
Identifiers: ClinVar variation 962568 (VCV000962568.12), dbSNP rs1178613645, ClinGen allele CA359011747.
Genomic context (GRCh38, chr5:230,937, plus strand): 5'-GGCTACGGGCGCACCTACTTCAGCTGCACGTCTGCCCACACCAGCACTGGCGACGGCACG[G>A]CCATGATCACCAGGGCAGGCCTTCCTTGCCAGGACCTAGAGTTTGTTCAGTTCCACCCTA-3'
Protein context (NP_004159.2, residues 268-288): SAHTSTGDGT[Ala278Thr]MITRAGLPCQ